The following is an entry in ClinVar:

ClinVar aggregate classification (germline): Likely benign (1 of 4 stars; one submission).

Allele frequency attached by ClinVar (database versions not stated): 1000 Genomes Project 0.00040; 1000 Genomes Project 30x 0.00047; TOPMed 0.00158; ESP Exome Variant Server 0.00185; ExAC 0.00188; gnomAD 0.00235; gnomAD exomes 0.00272.

Submission:

CeGaT Center for Human Genetics Tuebingen
Classification: Likely benign. Last evaluated: 2023-02-01. Review status: criteria provided, single submitter. Criteria: CeGaT Center For Human Genetics Tuebingen Variant Classification Criteria Version 2. Collection method: clinical testing. Allele origin: germline. Affected: yes. Observed: 1 variant allele.
Comment: ZFP69: BP4, BP7, BS2

NM_001320179.2(ZFP69):c.1038T>C (p.His346=)

Genes: EXO5-DT (EXO5 divergent transcript; minus strand), ZFP69 (ZFP69 zinc finger protein; plus strand). Cytogenetic location: 1p34.2.
Variant type: single nucleotide variant.
Coding change: c.1038T>C on transcript NM_001320179.2 (MANE Select); coding-DNA position 1038, T replaced by C.
Protein change: p.His346=; no amino-acid change (histidine 346 retained).
Molecular consequence: synonymous variant.
Genome position (GRCh38, 1-based): chr1:40,495,516, T>C. VCF-style: chr1-40495516-T-C. GRCh37 (hg19) VCF-style: chr1-40961188-T-C.
Other names: c.1041T>C, p.His347= (NM_001320178.2); c.1038T>C, p.His346= (NM_198494.3).
Identifiers: ClinVar variation 2638722 (VCV002638722.24), dbSNP rs143836667, ClinGen allele CA793131.